The following is an entry in ClinVar:

NM_007186.6(CEP250):c.5137G>A (p.Gly1713Arg)

Gene: CEP250 (centrosomal protein 250; plus strand). Cytogenetic location: 20q11.22.
Variant type: single nucleotide variant.
Coding change: c.5137G>A on transcript NM_007186.6 (MANE Select); coding-DNA position 5137, G replaced by A.
Protein change: p.Gly1713Arg; replaces glycine 1713 with arginine.
Molecular consequence: missense variant.
Genome position (GRCh38, 1-based): chr20:35,503,506, G>A. VCF-style: chr20-35503506-G-A. GRCh37 (hg19) VCF-style: chr20-34091334-G-A.
Other names: c.3241G>A, p.Gly1081Arg (NM_001318219.1); short protein forms G1713R, G1081R.
Identifiers: ClinVar variation 2000404 (VCV002000404.4), dbSNP rs2516253228, ClinGen allele CA408750431.
Genomic context (GRCh38, chr20:35,503,506, plus strand): 5'-AGAGAGCGAGGCCGGGAGCTGACCACTCAGAGGCAGCTGATGCAGGAACGGGCAGAGGAA[G>A]GGAAGGGCCCAAGTAAAGCACAGCGCGGGAGCCTAGAGCACATGAAGCTGATCCTGCGTG-3'
Protein context (NP_009117.2, residues 1703-1723): RQLMQERAEE[Gly1713Arg]KGPSKAQRGS

ClinVar aggregate classification (germline): Uncertain significance (1 of 4 stars; one submission).

Submission:

Labcorp Genetics (formerly Invitae), Labcorp
Classification: Uncertain significance. Last evaluated: 2022-05-29. Review status: criteria provided, single submitter. Criteria: Invitae Variant Classification Sherloc (09022015). Collection method: clinical testing. Allele origin: germline.
Comment: This sequence change replaces glycine, which is neutral and non-polar, with arginine, which is basic and polar, at codon 1713 of the CEP250 protein (p.Gly1713Arg). This variant is not present in population databases (gnomAD no frequency). This variant has not been reported in the literature in individuals affected with CEP250-related conditions. Algorithms developed to predict the effect of missense changes on protein structure and function are either unavailable or do not agree on the potential impact of this missense change (SIFT: "Not Available"; PolyPhen-2: "Possibly Damaging"; Align-GVGD: "Not Available"). In summary, the available evidence is currently insufficient to determine the role of this variant in disease. Therefore, it has been classified as a Variant of Uncertain Significance.